The following is an entry in ClinVar:

NM_001145026.2(PTPRQ):c.2546C>T (p.Thr849Met)

Gene: PTPRQ (protein tyrosine phosphatase receptor type Q; plus strand). Cytogenetic location: 12q21.31.
Variant type: single nucleotide variant.
Coding change: c.2546C>T on transcript NM_001145026.2 (MANE Select); coding-DNA position 2546, C replaced by T.
Protein change: p.Thr849Met; replaces threonine 849 with methionine.
Molecular consequence: missense variant.
Genome position (GRCh38, 1-based): chr12:80,506,659, C>T. VCF-style: chr12-80506659-C-T. GRCh37 (hg19) VCF-style: chr12-80900438-C-T.
Other names: short protein forms T849M.
Identifiers: ClinVar variation 1064884 (VCV001064884.3), dbSNP rs974503422, ClinGen allele CA240225339.

ClinVar aggregate classification (germline): Uncertain significance (1 of 4 stars; one submission).

Conditions:
Hearing impairment. Also called: Impaired Hearing. Identifiers: MedGen C1384666, MONDO:0005365, HP:0000365.

Allele frequency attached by ClinVar (database versions not stated): gnomAD exomes 0.00003 and 0.00008; gnomAD 0.00005; TOPMed 0.00006.
gnomAD v4.1: 113 of 1,539,526 alleles (0.0073%); highest among the groups gnomAD compares: East Asian, 0.037%; no homozygotes.

Submission:

Department of Otolaryngology – Head & Neck Surgery, Cochlear Implant Center
Classification: Uncertain significance for Hearing impairment. Last evaluated: 2021-04-12. Review status: criteria provided, single submitter. Criteria: ClinGen HL ACMG Specifications v1. Collection method: clinical testing. Allele origin: germline. Affected: yes.
Comment: PM2_Moderate, BP4_Supporting